The following is an entry in ClinVar:

NM_000038.6(APC):c.7818A>G (p.Val2606=)

Gene: APC (APC regulator of Wnt signaling pathway; plus strand). Cytogenetic location: 5q22.2.
Variant type: single nucleotide variant.
Coding change: c.7818A>G on transcript NM_000038.6 (MANE Select); coding-DNA position 7818, A replaced by G.
Protein change: p.Val2606=; no amino-acid change (valine 2606 retained).
Molecular consequence: synonymous variant.
Genome position (GRCh38, 1-based): chr5:112,843,412, A>G. VCF-style: chr5-112843412-A-G. GRCh37 (hg19) VCF-style: chr5-112179109-A-G.
Other names: c.7818A>G, p.Val2606= (NM_001127510.3, NM_001354895.2); c.7764A>G, p.Val2588= (NM_001127511.3); c.7872A>G, p.Val2624= (NM_001354896.2); c.7848A>G, p.Val2616= (NM_001354897.2); c.7743A>G, p.Val2581= (NM_001354898.2); c.7734A>G, p.Val2578= (NM_001354899.2); c.7695A>G, p.Val2565= (NM_001354900.2); c.7641A>G, p.Val2547= (NM_001354901.2); and 5 more.
Identifiers: ClinVar variation 482366 (VCV000482366.19), dbSNP rs1221514715, ClinGen allele CA446211263.

ClinVar aggregate classification (germline): Benign/Likely benign. Review status: criteria provided, multiple submitters, no conflicts (2 of 4 stars). 4 submissions from 4 submitters: Benign (1); Likely benign (3). Last evaluated 2025-07-21.

Conditions:
Hereditary cancer-predisposing syndrome. Also called: Neoplastic Syndromes, Hereditary; Tumor predisposition; Hereditary Cancer Syndrome; Hereditary neoplastic syndrome. Identifiers: Orphanet 140162, MedGen C0027672, MeSH D009386, MONDO:0015356.
Familial adenomatous polyposis 1 (FAP1). Also called: FAMILIAL ADENOMATOUS POLYPOSIS 1, ATTENUATED; POLYPOSIS, ADENOMATOUS INTESTINAL. Identifiers: MedGen C2713442, MONDO:0021056, OMIM 175100. Disease mechanism: loss of function.

gnomAD v4.1: 1 of 1,613,190 alleles (0.000062%); highest among the groups gnomAD compares: Non-Finnish European, 0.000085%; no homozygotes.

Submissions (4):

Labcorp Genetics (formerly Invitae), Labcorp
Classification: Likely benign for Familial adenomatous polyposis 1. Last evaluated: 2025-07-21. Review status: criteria provided, single submitter. Criteria: Invitae Variant Classification Sherloc (09022015). Collection method: clinical testing. Allele origin: germline.

Myriad Genetics, Inc.
Classification: Benign for Familial adenomatous polyposis 1. Last evaluated: 2024-04-11. Review status: criteria provided, single submitter. Criteria: Myriad Autosomal Dominant, Autosomal Recessive and X-Linked Classification Criteria (2023). Collection method: clinical testing. Allele origin: unknown.
Comment: This variant is considered benign. This variant is a silent/synonymous amino acid change and it is not expected to impact splicing.

Ambry Genetics
Classification: Likely benign for Hereditary cancer-predisposing syndrome. Last evaluated: 2016-11-03. Review status: criteria provided, single submitter. Criteria: Ambry Variant Classification Scheme 2023. Collection method: clinical testing. Allele origin: germline.

Color Diagnostics, LLC DBA Color Health
Classification: Likely benign for Hereditary cancer-predisposing syndrome. Last evaluated: 2016-03-09. Review status: criteria provided, single submitter. Criteria: ACMG Guidelines, 2015. Collection method: clinical testing. Allele origin: germline.